The following is an entry in ClinVar:

ClinVar aggregate classification (germline): Uncertain significance (1 of 4 stars; one submission).

Submission:

Kariminejad - Najmabadi Pathology & Genetics Center
Classification: Uncertain significance. Last evaluated: 2017-10-26. Review status: criteria provided, single submitter. Criteria: ACMG Guidelines, 2015. Collection method: clinical testing. Allele origin: germline. Inheritance: Autosomal recessive inheritance. Affected: yes.
Comment: PM2, PM4

NM_001849.4(COL6A2):c.3042_3043del (p.Ile1015fs)

Gene: COL6A2 (collagen type VI alpha 2 chain; plus strand). Cytogenetic location: 21q22.3.
Variant type: Deletion.
Coding change: c.3042_3043del on transcript NM_001849.4 (MANE Select); coding-DNA positions 3042 to 3043, 2 bases deleted (CA; older notation c.3042_3043delCA).
Protein change: p.Ile1015fs; shifts the reading frame from isoleucine 1015.
Molecular consequence: frameshift variant.
Genome position (GRCh38, 1-based): chr21:46,132,534-46,132,535, CA deleted. VCF-style (leftmost placement, unchanged base first): chr21-46132533-TCA-T. GRCh37 (hg19) VCF-style: chr21-47552447-TCA-T.
Other names: short protein forms I1015fs.
Identifiers: ClinVar variation 3896824 (VCV003896824.1).
Genomic context (GRCh38, chr21:46,132,533, plus strand): 5'-CCGCCGTGTTCCACGAGAAGGACTATGACAGCCTGGCGCAACCCGGCTTCTTCGACCGCT[TCA>T]TCCGCTGGATCTGCTAGCGCCGCCGCCCGGGCCCCGCAGTCGAGGGTCGTGAGCCCACCC-3'